The following is an entry in ClinVar:

ClinVar aggregate classification (germline): Uncertain significance. Review status: criteria provided, multiple submitters, no conflicts (2 of 4 stars). 2 submissions from 2 submitters: Uncertain significance (2). Last evaluated 2024-10-12.

Conditions:
Multiple endocrine neoplasia type 4. Also called: MULTIPLE ENDOCRINE NEOPLASIA, TYPE IV. Identifiers: Orphanet 276152, MedGen C1970712, MONDO:0012552, OMIM 610755.
Hereditary cancer-predisposing syndrome. Also called: Tumor predisposition; Hereditary neoplastic syndrome; Neoplastic Syndromes, Hereditary; Hereditary Cancer Syndrome. Identifiers: Orphanet 140162, MedGen C0027672, MeSH D009386, MONDO:0015356.

Allele frequency attached by ClinVar (database versions not stated): TOPMed below 0.00001.

Submissions (2):

Ambry Genetics
Classification: Uncertain significance for Hereditary cancer-predisposing syndrome. Last evaluated: 2024-10-12. Review status: criteria provided, single submitter. Criteria: Ambry Variant Classification Scheme 2023. Collection method: clinical testing. Allele origin: germline.
Comment: The p.Q57P variant (also known as c.170A>C), located in coding exon 1 of the CDKN1B gene, results from an A to C substitution at nucleotide position 170. The glutamine at codon 57 is replaced by proline, an amino acid with similar properties. This amino acid position is conserved. In addition, the in silico prediction for this alteration is inconclusive. Based on the available evidence, the clinical significance of this variant remains unclear.

Labcorp Genetics (formerly Invitae), Labcorp
Classification: Uncertain significance for Multiple endocrine neoplasia type 4. Last evaluated: 2021-01-11. Review status: criteria provided, single submitter. Criteria: Invitae Variant Classification Sherloc (09022015). Collection method: clinical testing. Allele origin: germline.
Comment: This variant has not been reported in the literature in individuals with CDKN1B-related conditions. This sequence change replaces glutamine with proline at codon 57 of the CDKN1B protein (p.Gln57Pro). The glutamine residue is highly conserved and there is a moderate physicochemical difference between glutamine and proline. This variant is not present in population databases (ExAC no frequency). Algorithms developed to predict the effect of missense changes on protein structure and function (SIFT, PolyPhen-2, Align-GVGD) all suggest that this variant is likely to be disruptive, but these predictions have not been confirmed by published functional studies and their clinical significance is uncertain. In summary, the available evidence is currently insufficient to determine the role of this variant in disease. Therefore, it has been classified as a Variant of Uncertain Significance.

NM_004064.5(CDKN1B):c.170A>C (p.Gln57Pro)

Gene: CDKN1B (cyclin dependent kinase inhibitor 1B; plus strand). Cytogenetic location: 12p13.1.
Variant type: single nucleotide variant.
Coding change: c.170A>C on transcript NM_004064.5 (MANE Select); coding-DNA position 170, A replaced by C.
Protein change: p.Gln57Pro; replaces glutamine 57 with proline.
Molecular consequence: missense variant.
Genome position (GRCh38, 1-based): chr12:12,718,009, A>C. VCF-style: chr12-12718009-A-C. GRCh37 (hg19) VCF-style: chr12-12870943-A-C.
Other names: c.170A>C (NM_004064.3); short protein forms Q57P.
Identifiers: ClinVar variation 1501775 (VCV001501775.9), dbSNP rs1946490426, ClinGen allele CA383969179.